The following is an entry in ClinVar:

ClinVar aggregate classification (germline): Uncertain significance (1 of 4 stars; one submission).

gnomAD v4.1: 2 of 1,550,552 alleles (0.00013%); highest among the groups gnomAD compares: Admixed American, 0.0039%; no homozygotes.

Submission:

Labcorp Genetics (formerly Invitae), Labcorp
Classification: Uncertain significance. Last evaluated: 2022-06-27. Review status: criteria provided, single submitter. Criteria: Invitae Variant Classification Sherloc (09022015). Collection method: clinical testing. Allele origin: germline.
Comment: Algorithms developed to predict the effect of missense changes on protein structure and function are either unavailable or do not agree on the potential impact of this missense change (SIFT: "Deleterious"; PolyPhen-2: "Probably Damaging"; Align-GVGD: "Class C0"). This variant has not been reported in the literature in individuals affected with OTOG-related conditions. This variant is present in population databases (no rsID available, gnomAD 0.004%). This sequence change replaces leucine, which is neutral and non-polar, with arginine, which is basic and polar, at codon 1132 of the OTOG protein (p.Leu1132Arg). In summary, the available evidence is currently insufficient to determine the role of this variant in disease. Therefore, it has been classified as a Variant of Uncertain Significance.

NM_001292063.2(OTOG):c.3359T>G (p.Leu1120Arg)

Gene: OTOG (otogelin; plus strand). Cytogenetic location: 11p15.1.
Variant type: single nucleotide variant.
Coding change: c.3359T>G on transcript NM_001292063.2 (MANE Select); coding-DNA position 3359, T replaced by G.
Protein change: p.Leu1120Arg; replaces leucine 1120 with arginine.
Molecular consequence: missense variant.
Genome position (GRCh38, 1-based): chr11:17,594,117, T>G. VCF-style: chr11-17594117-T-G. GRCh37 (hg19) VCF-style: chr11-17615664-T-G.
Other names: c.3395T>G, p.Leu1132Arg (NM_001277269.2); short protein forms L1120R, L1132R.
Identifiers: ClinVar variation 1520895 (VCV001520895.6), dbSNP rs757588809, ClinGen allele CA379783966.